The following is an entry in ClinVar:

NM_005802.5(TOPORS):c.503A>G (p.Asn168Ser)

Gene: TOPORS (TOP1 binding arginine/serine rich protein, E3 ubiquitin ligase; minus strand). Cytogenetic location: 9p21.1.
Variant type: single nucleotide variant.
Coding change: c.503A>G on transcript NM_005802.5 (MANE Select); coding-DNA position 503, A replaced by G.
Protein change: p.Asn168Ser; replaces asparagine 168 with serine.
Molecular consequence: missense variant.
Genome position (GRCh38, 1-based): chr9:32,544,022, T>C on the plus strand (A>G on the coding strand, the complement: TOPORS is on the minus strand). VCF-style: chr9-32544022-T-C. GRCh37 (hg19) VCF-style: chr9-32544020-T-C.
Other names: c.308A>G, p.Asn103Ser (NM_001195622.2); short protein forms N168S, N103S.
Identifiers: ClinVar variation 2132628 (VCV002132628.4), dbSNP rs1587622790, ClinGen allele CA373172479.

ClinVar aggregate classification (germline): Uncertain significance (1 of 4 stars; one submission).

Allele frequency attached by ClinVar (database versions not stated): TOPMed below 0.00001.

Submission:

Labcorp Genetics (formerly Invitae), Labcorp
Classification: Uncertain significance. Last evaluated: 2023-11-19. Review status: criteria provided, single submitter. Criteria: Invitae Variant Classification Sherloc (09022015). Collection method: clinical testing. Allele origin: germline.
Comment: This sequence change replaces asparagine, which is neutral and polar, with serine, which is neutral and polar, at codon 168 of the TOPORS protein (p.Asn168Ser). This variant is not present in population databases (gnomAD no frequency). This missense change has been observed in individual(s) with retinitis pigmentosa (Invitae). ClinVar contains an entry for this variant (Variation ID: 2132628). An algorithm developed to predict the effect of missense changes on protein structure and function (PolyPhen-2) suggests that this variant is likely to be tolerated. In summary, the available evidence is currently insufficient to determine the role of this variant in disease. Therefore, it has been classified as a Variant of Uncertain Significance.